The following is an entry in ClinVar:

NM_004168.4(SDHA):c.1773_1774dup (p.His592fs)

Gene: SDHA (succinate dehydrogenase complex flavoprotein subunit A; plus strand). Cytogenetic location: 5p15.33.
Variant type: Microsatellite.
Coding change: c.1773_1774dup on transcript NM_004168.4 (MANE Select); coding-DNA positions 1773 to 1774, 2 bases duplicated (GC; older notation c.1773_1774dupGC).
Protein change: p.His592fs; shifts the reading frame from histidine 592.
Molecular consequence: frameshift variant. On other transcripts: intron variant (1).
Genome position (GRCh38, 1-based): chr5:251,447-251,448, GC duplicated; duplicating any 2 consecutive bases within chr5:251,443-251,448 gives the same sequence; the c. name uses the placement nearest the transcript's 3' end. VCF-style (leftmost placement, unchanged base first): chr5-251442-G-GGC. GRCh37 (hg19) VCF-style: chr5-251557-G-GGC.
Other names: c.1629_1630dup, p.His544fs (NM_001294332.2); c.1552-2950GC[4] (NM_001330758.2); short protein forms H592fs, H544fs.
Identifiers: ClinVar variation 570896 (VCV000570896.9), dbSNP rs1561010948, ClinGen allele CA891842548.
Genomic context (GRCh38, chr5:251,442, plus strand): 5'-AACCTGATGCTGTGTGCGCTGCAGACCATCTACGGAGCAGAGGCACGGAAGGAGTCACGG[G>GGC]GCGCGCATGCCAGGGAAGACTACAAGGTGGGCCTTCTCACCACGCCCACCTGCACCTGCC-3'

ClinVar aggregate classification (germline): Likely pathogenic (1 of 4 stars; one submission).

Conditions:
Mitochondrial complex II deficiency, nuclear type 1. Also called: SUCCINATE CoQ REDUCTASE DEFICIENCY. Identifiers: Orphanet 3208, MedGen C5700310, MONDO:0100294, OMIM 252011.
Pheochromocytoma/paraganglioma syndrome 5. Also called: Paragangliomas 5; SDHA-Related Hereditary Paraganglioma-Pheochromocytoma Syndrome. Identifiers: Orphanet 29072, MedGen C3279992, MONDO:0013602, OMIM 614165.

Submission:

Labcorp Genetics (formerly Invitae), Labcorp
Classification: Likely pathogenic for Pheochromocytoma/paraganglioma syndrome 5; Mitochondrial complex II deficiency, nuclear type 1. Last evaluated: 2022-10-28. Review status: criteria provided, single submitter. Criteria: Invitae Variant Classification Sherloc (09022015). Collection method: clinical testing. Allele origin: germline.
Comment: This sequence change creates a premature translational stop signal (p.His592Argfs*54) in the SDHA gene. While this is not anticipated to result in nonsense mediated decay, it is expected to disrupt the last 73 amino acid(s) of the SDHA protein. In summary, the currently available evidence indicates that the variant is pathogenic, but additional data are needed to prove that conclusively. Therefore, this variant has been classified as Likely Pathogenic. This variant disrupts the C-terminus of the SDHA protein. Other variant(s) that disrupt this region (p.Tyr629Leufs*14)) have been observed in individuals with SDHA-related conditions (Invitae). This suggests that this may be a clinically significant region of the protein. Experimental studies have shown that this premature translational stop signal affects SDHA function (PMID: 21858060, 23043141, 25488574). Algorithms developed to predict the effect of variants on protein structure and function are not available or were not evaluated for this variant. This variant has not been reported in the literature in individuals affected with SDHA-related conditions. This variant is not present in population databases (gnomAD no frequency).

Literature cited by the submitters: PubMed 21858060; PubMed 23043141; PubMed 25488574.